The following is an entry in ClinVar:

NM_000278.5(PAX2):c.43+1G>C

Gene: PAX2 (paired box 2; plus strand). Cytogenetic location: 10q24.31.
Variant type: single nucleotide variant.
Coding change: c.43+1G>C on transcript NM_000278.5 (MANE Select); the canonical splice donor site of the intron after coding-DNA position 43, G replaced by C.
Molecular consequence: splice donor variant.
Genome position (GRCh38, 1-based): chr10:100,746,304, G>C. VCF-style: chr10-100746304-G-C. GRCh37 (hg19) VCF-style: chr10-102506061-G-C.
Other names: c.136+1G>C (NM_001304569.2, NM_001374303.1); c.43+1G>C (NM_003987.5, NM_003990.5, NM_003988.5 and 1 more transcripts).
Identifiers: ClinVar variation 4787555 (VCV004787555.3).

ClinVar aggregate classification (germline): Pathogenic. Review status: criteria provided, multiple submitters, no conflicts (2 of 4 stars). 2 submissions from 2 submitters: Pathogenic (2). Last evaluated 2025-06-12.

Conditions:
Renal coloboma syndrome (PAPRS). Also called: PAPILLORENAL SYNDROME; RENAL-COLOBOMA SYNDROME WITH MACULAR ABNORMALITIES; PAPILLORENAL SYNDROME WITH MILD OCULAR ABNORMALITIES; CONGENITAL ANOMALIES OF THE KIDNEY AND URINARY TRACT WITH OR WITHOUT OCULAR ABNORMALITIES; CAKUT WITH OR WITHOUT OCULAR ABNORMALITIES; COLOBOMA OF OPTIC NERVE WITH RENAL DISEASE. Identifiers: Orphanet 1475, MedGen C1852759, MONDO:0007352, OMIM 120330.
Focal segmental glomerulosclerosis 7 (FSGS7). Identifiers: Orphanet 656, MedGen C4014925, MONDO:0014451, OMIM 616002.

Submissions (2):

Labcorp Genetics (formerly Invitae), Labcorp
Classification: Pathogenic for Renal coloboma syndrome; Focal segmental glomerulosclerosis 7. Last evaluated: 2025-06-12. Review status: criteria provided, single submitter. Criteria: Invitae Variant Classification Sherloc (09022015). Collection method: clinical testing. Allele origin: germline.
Comment: This sequence change affects a donor splice site in intron 1 of the PAX2 gene. It is expected to disrupt RNA splicing. Variants that disrupt the donor or acceptor splice site typically lead to a loss of protein function (PMID: 16199547), and loss-of-function variants in PAX2 are known to be pathogenic (PMID: 11461952, 24676634, 35444690). This variant is not present in population databases (gnomAD no frequency). Disruption of this splice site has been observed in individual(s) with PAX2-related conditions (PMID: 22213154; internal data). In at least one individual the variant was observed to be de novo. Algorithms developed to predict the effect of sequence changes on RNA splicing suggest that this variant may disrupt the consensus splice site. For these reasons, this variant has been classified as Pathogenic.

Juno Genomics, Hangzhou Juno Genomics, Inc
Classification: Pathogenic for Focal segmental glomerulosclerosis 7; Renal coloboma syndrome. Review status: criteria provided, single submitter. Criteria: ACMG Guidelines, 2015. Collection method: clinical testing. Allele origin: germline.
Comment: Absent from controls (or at extremely low frequency if recessive) in Genome Aggregation Database.;Null variant in a gene where loss of function (LOF) is a known mechanism of disease.;Assumed de novo, but without confirmation of paternity and maternity.

Literature cited by the submitters: PubMed 16199547 (cited by Labcorp Genetics (formerly Invitae), Labcorp); PubMed 11461952 (cited by Labcorp Genetics (formerly Invitae), Labcorp); PubMed 24676634 (cited by Labcorp Genetics (formerly Invitae), Labcorp); PubMed 35444690 (cited by Labcorp Genetics (formerly Invitae), Labcorp); PubMed 22213154 (cited by Labcorp Genetics (formerly Invitae), Labcorp).